The following is an entry in ClinVar:

NM_001005242.3(PKP2):c.2161_2167+1008del

Gene: PKP2 (plakophilin 2; minus strand). Cytogenetic location: 12p11.21.
Variant type: Deletion.
Coding change: c.2161_2167+1008del on transcript NM_001005242.3 (MANE Select); coding-DNA position 2161 through 1008 bases into the intron after coding-DNA position 2167, 1,015 bases deleted.
Molecular consequence: splice donor variant.
Genome position (GRCh38, 1-based): chr12:32,801,395-32,802,409, 1,015 bases deleted. GRCh37 (hg19): chr12:32,954,335-32,955,349.
Other names: c.2293_2299+1008del (NM_004572.4).
Identifiers: ClinVar variation 935758 (VCV000935758.1), ClinGen allele CA1139662561.

ClinVar aggregate classification (germline): Likely pathogenic (1 of 4 stars; one submission).

Conditions:
Arrhythmogenic right ventricular dysplasia 9 (ARVD9). Also called: Arrhythmogenic Right Ventricular Dysplasia/Cardiomyopathy 9; ARRHYTHMOGENIC RIGHT VENTRICULAR DYSPLASIA, FAMILIAL, 9. Identifiers: MedGen C1836906, MONDO:0012180, OMIM 609040.

Submission:

Labcorp Genetics (formerly Invitae), Labcorp
Classification: Likely pathogenic for Arrhythmogenic right ventricular cardiomyopathy, type 9. Last evaluated: 2019-07-01. Review status: criteria provided, single submitter. Criteria: Invitae Variant Classification Sherloc (09022015). Collection method: clinical testing. Allele origin: germline.
Comment: This variant is a deletion of the genomic region encompassing part of exon 11 of the PKP2 gene (c.2293_2299+1008del). It is expected to disrupt RNA splicing and likely results in an absent or disrupted protein product. This variant has not been reported in the literature in individuals with PKP2-related conditions. Loss-of-function variants in PKP2 are known to be pathogenic (PMID: 15489853, 23911551). In summary, the currently available evidence indicates that the variant is pathogenic, but additional data are needed to prove that conclusively. Therefore, this variant has been classified as Likely Pathogenic.